The following is an entry in ClinVar:

NM_005902.4(SMAD3):c.1008A>T (p.Pro336=)

Gene: SMAD3 (SMAD family member 3; plus strand). Cytogenetic location: 15q22.33.
Variant type: single nucleotide variant.
Coding change: c.1008A>T on transcript NM_005902.4 (MANE Select); coding-DNA position 1008, A replaced by T.
Protein change: p.Pro336=; no amino-acid change (proline 336 retained).
Molecular consequence: synonymous variant. On other transcripts: intron variant (1).
Genome position (GRCh38, 1-based): chr15:67,184,863, A>T. VCF-style: chr15-67184863-A-T. GRCh37 (hg19) VCF-style: chr15-67477201-A-T.
Other names: c.693A>T, p.Pro231= (NM_001145102.2, NM_001407016.1); c.876A>T, p.Pro292= (NM_001145103.2, NM_001407012.1); c.423A>T, p.Pro141= (NM_001145104.2, NM_001407017.1); c.1008A>T, p.Pro336= (NM_001407011.1); c.861A>T, p.Pro287= (NM_001407014.1); c.561A>T, p.Pro187= (NM_001407015.1); c.872-2502A>T (NM_001407013.1).
Identifiers: ClinVar variation 3372404 (VCV003372404.1).

ClinVar aggregate classification (germline): Uncertain significance (1 of 4 stars; one submission).

Submission:

GeneDx
Classification: Uncertain significance. Last evaluated: 2024-04-11. Review status: criteria provided, single submitter. Criteria: GeneDx Variant Classification Process June 2021. Collection method: clinical testing. Allele origin: germline. Affected: yes.
Comment: Not observed at significant frequency in large population cohorts (gnomAD); In silico analysis is inconclusive as to whether the variant alters gene splicing. In the absence of RNA/functional studies, the actual effect of this sequence change is unknown.; Has not been previously published as pathogenic or benign to our knowledge